The following is an entry in ClinVar:

ClinVar aggregate classification (germline): Uncertain significance (1 of 4 stars; one submission).

gnomAD v4.1: 1 of 1,613,602 alleles (0.000062%); highest among the groups gnomAD compares: South Asian, 0.0011%; no homozygotes.

Submission:

GeneDx
Classification: Uncertain significance. Last evaluated: 2024-09-26. Review status: criteria provided, single submitter. Criteria: GeneDx Variant Classification Process June 2021. Collection method: clinical testing. Allele origin: germline. Affected: yes.
Comment: In silico analysis indicates that this missense variant does not alter protein structure/function; Not observed at significant frequency in large population cohorts (gnomAD); Has not been previously published as pathogenic or benign to our knowledge

NM_001287491.2(TET3):c.3967G>T (p.Ala1323Ser)

Gene: TET3 (tet methylcytosine dioxygenase 3; plus strand). Cytogenetic location: 2p13.1.
Variant type: single nucleotide variant.
Coding change: c.3967G>T on transcript NM_001287491.2 (MANE Select); coding-DNA position 3967, G replaced by T.
Protein change: p.Ala1323Ser; replaces alanine 1323 with serine.
Molecular consequence: missense variant.
Genome position (GRCh38, 1-based): chr2:74,100,755, G>T. VCF-style: chr2-74100755-G-T. GRCh37 (hg19) VCF-style: chr2-74327882-G-T.
Other names: c.3688G>T, p.Ala1230Ser (NM_001366022.1); short protein forms A1230S, A1323S.
Identifiers: ClinVar variation 3774740 (VCV003774740.1).
Genomic context (GRCh38, chr2:74,100,755, plus strand): 5'-CCTGGTGCCTGGGGGCACAGTGGCAGCAGTGGCAGTTTTGAGAAGAAGCCAGACCTCCAC[G>T]CTCTGCACAACAGCCTGAGCCCGGCCTACGGTGGTGCTGAGTTTGCCGAGCTGCCCAGCC-3'
Protein context (NP_001274420.1, residues 1313-1333): GSFEKKPDLH[Ala1323Ser]LHNSLSPAYG